The following is an entry in ClinVar:

NM_001130438.3(SPTAN1):c.3536T>A (p.Met1179Lys)

Gene: SPTAN1 (spectrin alpha, non-erythrocytic 1; plus strand). Cytogenetic location: 9q34.11.
Variant type: single nucleotide variant.
Coding change: c.3536T>A on transcript NM_001130438.3 (MANE Select); coding-DNA position 3536, T replaced by A.
Protein change: p.Met1179Lys; replaces methionine 1179 with lysine.
Molecular consequence: missense variant.
Genome position (GRCh38, 1-based): chr9:128,598,979, T>A. VCF-style: chr9-128598979-T-A. GRCh37 (hg19) VCF-style: chr9-131361258-T-A.
Other names: c.3476T>A, p.Met1159Lys (NM_001195532.2, NM_001363765.2, NM_001375314.2); c.3536T>A, p.Met1179Lys (NM_001363759.2, NM_001375310.1, NM_001375311.2 and 2 more transcripts); c.3572T>A, p.Met1191Lys (NM_001375312.2, NM_001375318.1); short protein forms M1159K, M1179K, M1191K.
Identifiers: ClinVar variation 935645 (VCV000935645.15), dbSNP rs564155435, ClinGen allele CA5264941.

ClinVar aggregate classification (germline): Uncertain significance. Review status: criteria provided, multiple submitters, no conflicts (2 of 4 stars). 2 submissions from 2 submitters: Uncertain significance (2). Last evaluated 2026-02-01.

Conditions:
Early-infantile DEE. Also called: Early infantile epileptic encephalopathy; Ohtahara syndrome; Early infantile epileptic encephalopathy with suppression bursts. Identifiers: Orphanet 1934, MedGen C0393706, MONDO:0800491.

Allele frequency attached by ClinVar (database versions not stated): ExAC 0.00001; gnomAD 0.00001 and 0.00002; TOPMed 0.00002; 1000 Genomes Project 0.00020; 1000 Genomes Project 30x 0.00031.

Submissions (2):

CeGaT Center for Human Genetics Tuebingen
Classification: Uncertain significance. Last evaluated: 2026-02-01. Review status: criteria provided, single submitter. Criteria: CeGaT Center For Human Genetics Tuebingen Variant Classification Criteria Version 2. Collection method: clinical testing. Allele origin: germline. Affected: yes. Observed: 1 variant allele.

Labcorp Genetics (formerly Invitae), Labcorp
Classification: Uncertain significance for Early-infantile DEE. Last evaluated: 2025-09-24. Review status: criteria provided, single submitter. Criteria: Invitae Variant Classification Sherloc (09022015). Collection method: clinical testing. Allele origin: germline.
Comment: This sequence change replaces methionine, which is neutral and non-polar, with lysine, which is basic and polar, at codon 1179 of the SPTAN1 protein (p.Met1179Lys). This variant is present in population databases (rs564155435, gnomAD 0.01%). This variant has not been reported in the literature in individuals affected with SPTAN1-related conditions. ClinVar contains an entry for this variant (Variation ID: 935645). Invitae Evidence Modeling of protein sequence and biophysical properties (such as structural, functional, and spatial information, amino acid conservation, physicochemical variation, residue mobility, and thermodynamic stability) has been performed for this missense variant. However, the output from this modeling did not meet the statistical confidence thresholds required to predict the impact of this variant on SPTAN1 protein function. In summary, the available evidence is currently insufficient to determine the role of this variant in disease. Therefore, it has been classified as a Variant of Uncertain Significance.